The following is an entry in ClinVar:

NM_000441.2(SLC26A4):c.481T>A (p.Phe161Ile)

Gene: SLC26A4 (solute carrier family 26 member 4; plus strand). Cytogenetic location: 7q22.3.
Variant type: single nucleotide variant.
Coding change: c.481T>A on transcript NM_000441.2 (MANE Select); coding-DNA position 481, T replaced by A.
Protein change: p.Phe161Ile; replaces phenylalanine 161 with isoleucine.
Molecular consequence: missense variant.
Genome position (GRCh38, 1-based): chr7:107,674,229, T>A. VCF-style: chr7-107674229-T-A. GRCh37 (hg19) VCF-style: chr7-107314674-T-A.
Other names: short protein forms F161I.
Identifiers: ClinVar variation 550516 (VCV000550516.19), dbSNP rs1481765326, ClinGen allele CA368848011.

ClinVar aggregate classification (germline): Conflicting classifications of pathogenicity. Review status: criteria provided, conflicting classifications (1 of 4 stars). 8 submissions from 7 submitters: Likely pathogenic (3); Uncertain significance (4). 1 of the submissions does not count toward it. Last evaluated 2025-12-09.

Conditions:
Autosomal recessive nonsyndromic hearing loss 4 (DFNB4). Also called: Nonsyndromic enlarged vestibular aqueduct (NSEVA); NEUROSENSORY NONSYNDROMIC RECESSIVE DEAFNESS 4; Enlarged vestibular aqueduct, digenic; FOXI1-Related Pendred Syndrome; KCNJ10-Related Pendred Syndrome; Deafness, autosomal recessive 4. Identifiers: Orphanet 90636, MedGen C3538946, MONDO:0010933, OMIM 600791.
Pendred syndrome (PDS). Also called: GOITER-DEAFNESS SYNDROME; HYPOTHYROIDISM, CONGENITAL, DUE TO DYSHORMONOGENESIS, 2B; THYROID DYSHORMONOGENESIS 2B; THYROID HORMONOGENESIS, GENETIC DEFECT IN, 2B; Pendred Syndrome (PDS); DEAFNESS WITH GOITER. Identifiers: Orphanet 705, MedGen C0271829, MONDO:0010134, OMIM 274600.

Allele frequency attached by ClinVar (database versions not stated): gnomAD 0.00001; gnomAD exomes 0.00001.
gnomAD v4.1: 12 of 1,614,066 alleles (0.00074%); highest among the groups gnomAD compares: Admixed American, 0.0017%; no homozygotes.

Submissions (8):

Genetics Research Center, University of Social Welfare and Rehabilitation Sciences
Classification: Likely pathogenic for Autosomal recessive nonsyndromic hearing loss 4. Last evaluated: 2025-12-09. Review status: criteria provided, single submitter. Criteria: ACMG Guidelines, 2015. Collection method: research. Allele origin: germline. Affected: yes.
Comment: This heterozygous variant is present at a very low frequency in the gnomAD v2.1.1 dataset (allele frequency: 0.0008%) and has been reported in individual(s) affected with SLC26A4-related hearing loss (PMID:26445815, 34599368). We observed this variant in compound heterozygosity with the c.1574C>T variant.

Women's Health and Genetics/Laboratory Corporation of America, LabCorp
Classification: Uncertain significance. Last evaluated: 2024-10-21. Review status: criteria provided, single submitter. Criteria: LabCorp Variant Classification Summary - May 2015. Collection method: clinical testing. Allele origin: germline.
Comment: Variant summary: SLC26A4 c.481T>A (p.Phe161Ile) results in a non-conservative amino acid change located in the SLC26A/SulP transporter domain of the encoded protein sequence. Three of five in-silico tools predict a damaging effect of the variant on protein function. The variant allele was found at a frequency of 8e-06 in 251486 control chromosomes. The available data on variant occurrences in the general population are insufficient to allow any conclusion about variant significance. c.481T>A has been reported in the literature in individuals affected with hearing loss (e.g., Batissoco_2022, Sloan-Heggen_2015). These data do not allow any conclusion about variant significance. To our knowledge, no experimental evidence demonstrating an impact on protein function has been reported. The following publications have been ascertained in the context of this evaluation (PMID: 34599368, 26445815). ClinVar contains an entry for this variant (Variation ID: 550516). Based on the evidence outlined above, the variant was classified as uncertain significance.

Institute of Human Genetics Munich, TUM University Hospital
Classification: Likely pathogenic for Autosomal recessive nonsyndromic hearing loss 4. Last evaluated: 2024-07-22. Review status: criteria provided, single submitter. Criteria: Classification criteria August 2017. Collection method: clinical testing. Allele origin: maternal. Inheritance: Autosomal recessive inheritance. Affected: yes. Observed: 1 variant allele.

Labcorp Genetics (formerly Invitae), Labcorp
Classification: Uncertain significance. Last evaluated: 2024-04-22. Review status: criteria provided, single submitter. Criteria: Invitae Variant Classification Sherloc (09022015). Collection method: clinical testing. Allele origin: germline.
Comment: This sequence change replaces phenylalanine, which is neutral and non-polar, with isoleucine, which is neutral and non-polar, at codon 161 of the SLC26A4 protein (p.Phe161Ile). This variant is present in population databases (no rsID available, gnomAD 0.003%). This missense change has been observed in individual(s) with deafness (PMID: 26445815, 34599368). ClinVar contains an entry for this variant (Variation ID: 550516). Advanced modeling of protein sequence and biophysical properties (such as structural, functional, and spatial information, amino acid conservation, physicochemical variation, residue mobility, and thermodynamic stability) performed at Invitae indicates that this missense variant is expected to disrupt SLC26A4 protein function with a positive predictive value of 80%. In summary, the available evidence is currently insufficient to determine the role of this variant in disease. Therefore, it has been classified as a Variant of Uncertain Significance.

Genome-Nilou Lab
Classification: Uncertain significance for Pendred syndrome. Last evaluated: 2021-09-05. Review status: criteria provided, single submitter. Criteria: ACMG Guidelines, 2015. Collection method: clinical testing. Allele origin: germline. Affected: no.

Genome-Nilou Lab
Classification: Uncertain significance for Autosomal recessive nonsyndromic hearing loss 4. Last evaluated: 2021-09-05. Review status: criteria provided, single submitter. Criteria: ACMG Guidelines, 2015. Collection method: clinical testing. Allele origin: germline. Affected: no.

Laboratory of Molecular, Cellular and Translation Genetics in Otolaryngology/ Lim32-hcfmusp, University of Sao Paulo School of Medicine Clinics Hospital
Classification: Likely pathogenic for Autosomal recessive nonsyndromic hearing loss 4. Review status: criteria provided, single submitter. Criteria: ClinGen HL ACMG Specifications v1. Collection method: research. Allele origin: germline. Inheritance: Autosomal recessive inheritance. Affected: yes. Observed: 1 variant allele, 1 compound heterozygote. Segregation with disease observed.

Counsyl
Classification: Uncertain significance for Pendred syndrome. Last evaluated: 2017-01-30. Review status: no assertion criteria provided. Collection method: clinical testing. Allele origin: unknown. Not counted in ClinVar's aggregate classification.

Literature cited by the submitters: PubMed 26445815 (cited by 4 submitters); PubMed 34599368 (cited by 4 submitters).